The following is an entry in ClinVar:

NM_000535.7(PMS2):c.354-7C>T

Gene: PMS2 (PMS1 homolog 2, mismatch repair system component; minus strand). Cytogenetic location: 7p22.1.
Variant type: single nucleotide variant.
Coding change: c.354-7C>T on transcript NM_000535.7 (MANE Select); 7 bases into the intron before coding-DNA position 354, C replaced by T.
Molecular consequence: intron variant. On other transcripts: missense variant (1).
Genome position (GRCh38, 1-based): chr7:6,002,643, G>A on the plus strand (C>T on the coding strand, the complement: PMS2 is on the minus strand). VCF-style: chr7-6002643-G-A. GRCh37 (hg19) VCF-style: chr7-6042274-G-A.
Other names: c.38C>T, p.Ser13Phe (NM_001322015.2); c.36-7C>T (NM_001322008.2, NM_001322007.2); c.-52-7C>T (NM_001322010.2, NM_001322004.2, NM_001322013.2 and 3 more transcripts); c.-531-7C>T (NM_001322012.2, NM_001322011.2); c.354-7C>T (NM_001322006.2, NM_001322014.2); short protein forms S13F.
Identifiers: ClinVar variation 492278 (VCV000492278.22), dbSNP rs758471869, ClinGen allele CA049526.

ClinVar aggregate classification (germline): Conflicting classifications of pathogenicity. Review status: criteria provided, conflicting classifications (1 of 4 stars). 7 submissions from 7 submitters: Uncertain significance (2); Likely benign (4). 1 of the submissions does not count toward it. Last evaluated 2026-04-15.

Conditions:
Breast and/or ovarian cancer. Identifiers: MedGen CN221562.
Lynch syndrome 4 (LYNCH4). Also called: Hereditary non-polyposis colorectal cancer, type 4; Colorectal cancer, hereditary nonpolyposis, type 4. Identifiers: Orphanet 144, MedGen C1838333, MONDO:0013699, OMIM 614337. Disease mechanism: loss of function.
Hereditary cancer-predisposing syndrome. Also called: Tumor predisposition; Hereditary neoplastic syndrome; Neoplastic Syndromes, Hereditary; Hereditary Cancer Syndrome. Identifiers: Orphanet 140162, MedGen C0027672, MeSH D009386, MONDO:0015356.
Hereditary nonpolyposis colorectal neoplasms. Identifiers: MedGen C0009405, MeSH D003123.

Allele frequency attached by ClinVar (database versions not stated): ExAC 0.00001; TOPMed 0.00002; gnomAD exomes 0.00001.
gnomAD v4.1: 5 of 1,608,710 alleles (0.00031%); highest among the groups gnomAD compares: Admixed American, 0.0017%; no homozygotes.

Submissions (7):

Dasa
Classification: Uncertain significance. Last evaluated: 2026-04-15. Review status: criteria provided, single submitter. Criteria: DASA Assertion Criteria. Collection method: clinical testing. Allele origin: germline.
Comment: NM_001322015.2(PMS2):c.38C>T (p.Ser13Phe) is a missense variant that results in the substitution of serine with phenylalanine. This variant is rare in population databases. Computational prediction algorithms are consistent with a benign effect. The currently available literature and clinical evidence are not sufficient to establish a definitive association between this variant and the reported condition. Therefore, this variant is classified as a variant of uncertain significance.

Labcorp Genetics (formerly Invitae), Labcorp
Classification: Likely benign for Hereditary nonpolyposis colorectal neoplasms. Last evaluated: 2026-01-19. Review status: criteria provided, single submitter. Criteria: Invitae Variant Classification Sherloc (09022015). Collection method: clinical testing. Allele origin: germline.

Women's Health and Genetics/Laboratory Corporation of America, LabCorp
Classification: Likely benign. Last evaluated: 2025-04-28. Review status: criteria provided, single submitter. Criteria: LabCorp Variant Classification Summary - May 2015. Collection method: clinical testing. Allele origin: germline.

Myriad Genetics, Inc.
Classification: Likely benign for Lynch syndrome 4. Last evaluated: 2023-04-03. Review status: criteria provided, single submitter. Criteria: Myriad Autosomal Dominant, Autosomal Recessive and X-Linked Classification Criteria (2023). Collection method: clinical testing. Allele origin: unknown.
Comment: This variant is considered likely benign. This variant is intronic and is not expected to impact mRNA splicing.

CHEO Genetics Diagnostic Laboratory, Children's Hospital of Eastern Ontario
Classification: Uncertain significance for Breast and/or ovarian cancer. Last evaluated: 2019-11-21. Review status: criteria provided, single submitter. Criteria: ACMG Guidelines, 2015. Collection method: clinical testing. Allele origin: germline.

Color Diagnostics, LLC DBA Color Health
Classification: Likely benign for Hereditary cancer-predisposing syndrome. Last evaluated: 2017-09-16. Review status: criteria provided, single submitter. Criteria: ACMG Guidelines, 2015. Collection method: clinical testing. Allele origin: germline.

Counsyl
Classification: Likely benign for Lynch syndrome 4. Last evaluated: 2017-10-23. Review status: no assertion criteria provided. Collection method: clinical testing. Allele origin: unknown. Not counted in ClinVar's aggregate classification.